The following is an entry in ClinVar:

NM_000090.4(COL3A1):c.2044G>A (p.Glu682Lys)

Gene: COL3A1 (collagen type III alpha 1 chain; plus strand). Cytogenetic location: 2q32.2.
Variant type: single nucleotide variant.
Coding change: c.2044G>A on transcript NM_000090.4 (MANE Select); coding-DNA position 2044, G replaced by A.
Protein change: p.Glu682Lys; replaces glutamic acid 682 with lysine.
Molecular consequence: missense variant.
Genome position (GRCh38, 1-based): chr2:188,999,306, G>A. VCF-style: chr2-188999306-G-A. GRCh37 (hg19) VCF-style: chr2-189864032-G-A.
Other names: short protein forms E682K.
Identifiers: ClinVar variation 1072145 (VCV001072145.14), dbSNP rs2153502995, ClinGen allele CA349839882.
Genomic context (GRCh38, chr2:188,999,306, plus strand): 5'-GGGTTGTCTAATATGGTTATTTACATATTTTTGTCACAGGGTGATGCTGGTGCCCCTGGT[G>A]AACGTGGACCTCCTGGATTGGCAGGGGCCCCAGGACTTAGAGGTGGAGCTGGTCCCCCTG-3'
Protein context (NP_000081.2, residues 672-692): GGKGDAGAPG[Glu682Lys]RGPPGLAGAP

ClinVar aggregate classification (germline): Pathogenic. Review status: criteria provided, multiple submitters, no conflicts (2 of 4 stars). 2 submissions from 2 submitters: Pathogenic (2). Last evaluated 2025-02-16.

Conditions:
Ehlers-Danlos syndrome (EDS). Identifiers: Orphanet 98249, MedGen C0013720, MONDO:0020066.
Ehlers-Danlos syndrome, type 4 (EDSVASC). Also called: Ehlers-Danlos syndrome vascular type; Ehlers Danlos syndrome, ecchymotic type; Ehlers Danlos syndrome, arterial type; Ehlers Danlos syndrome, Sack-Barabas type; Ehlers-Danlos Syndrome Type IV. Identifiers: Orphanet 286, MedGen C0268338, MONDO:0017314, OMIM 130050.

gnomAD v4.1: 1 of 1,582,884 alleles (0.000063%); highest among the groups gnomAD compares: Non-Finnish European, 0.000086%; no homozygotes.

Submissions (2):

Labcorp Genetics (formerly Invitae), Labcorp
Classification: Pathogenic for Ehlers-Danlos syndrome, type 4. Last evaluated: 2025-02-16. Review status: criteria provided, single submitter. Criteria: Invitae Variant Classification Sherloc (09022015). Collection method: clinical testing. Allele origin: germline.
Comment: This sequence change replaces glutamic acid, which is acidic and polar, with lysine, which is basic and polar, at codon 682 of the COL3A1 protein (p.Glu682Lys). This variant is not present in population databases (gnomAD no frequency). This missense change has been observed in individuals with Ehlers-Danlos syndrome, vascular type (PMID: 30837697; internal data). It has also been observed to segregate with disease in related individuals. ClinVar contains an entry for this variant (Variation ID: 1072145). Invitae Evidence Modeling of protein sequence and biophysical properties (such as structural, functional, and spatial information, amino acid conservation, physicochemical variation, residue mobility, and thermodynamic stability) has been performed for this missense variant. However, the output from this modeling did not meet the statistical confidence thresholds required to predict the impact of this variant on COL3A1 protein function. For these reasons, this variant has been classified as Pathogenic.

Genome Diagnostics Laboratory, The Hospital for Sick Children
Classification: Pathogenic for Ehlers-Danlos syndrome. Last evaluated: 2021-05-14. Review status: criteria provided, single submitter. Criteria: ACMG Guidelines, 2015. Collection method: clinical testing. Allele origin: germline.

Literature cited by the submitters: PubMed 30837697 (cited by Labcorp Genetics (formerly Invitae), Labcorp).